The following is an entry in ClinVar:

NM_015340.4(LARS2):c.2215-1G>C

Gene: LARS2 (leucyl-tRNA synthetase 2, mitochondrial; plus strand). Cytogenetic location: 3p21.31.
Variant type: single nucleotide variant.
Coding change: c.2215-1G>C on transcript NM_015340.4 (MANE Select); the canonical splice acceptor site of the intron before coding-DNA position 2215, G replaced by C.
Molecular consequence: splice acceptor variant.
Genome position (GRCh38, 1-based): chr3:45,520,218, G>C. VCF-style: chr3-45520218-G-C. GRCh37 (hg19) VCF-style: chr3-45561710-G-C.
Other names: c.2215-1G>C (NM_001368263.1).
Identifiers: ClinVar variation 2968571 (VCV002968571.3), dbSNP rs1700431210, ClinGen allele CA352429376.

ClinVar aggregate classification (germline): Likely pathogenic (1 of 4 stars; one submission).

Allele frequency attached by ClinVar (database versions not stated): gnomAD exomes below 0.00001; TOPMed below 0.00001.
gnomAD v4.1: 1 of 1,605,734 alleles (0.000062%); highest among the groups gnomAD compares: Admixed American, 0.0017%; no homozygotes.

Submission:

Labcorp Genetics (formerly Invitae), Labcorp
Classification: Likely pathogenic. Last evaluated: 2022-11-19. Review status: criteria provided, single submitter. Criteria: Invitae Variant Classification Sherloc (09022015). Collection method: clinical testing. Allele origin: germline.
Comment: In summary, the currently available evidence indicates that the variant is pathogenic, but additional data are needed to prove that conclusively. Therefore, this variant has been classified as Likely Pathogenic. Algorithms developed to predict the effect of sequence changes on RNA splicing suggest that this variant may disrupt the consensus splice site. This variant has not been reported in the literature in individuals affected with LARS2-related conditions. This variant is not present in population databases (gnomAD no frequency). This sequence change affects an acceptor splice site in intron 18 of the LARS2 gene. It is expected to disrupt RNA splicing. Variants that disrupt the donor or acceptor splice site typically lead to a loss of protein function (PMID: 16199547), and loss-of-function variants in LARS2 are known to be pathogenic (PMID: 23541342, 30737337).

Literature cited by the submitters: PubMed 16199547; PubMed 23541342; PubMed 30737337.